The following is an entry in ClinVar:

NM_003151.4(STAT4):c.302T>C (p.Val101Ala)

Gene: STAT4 (signal transducer and activator of transcription 4; minus strand). Cytogenetic location: 2q32.2.
Variant type: single nucleotide variant.
Coding change: c.302T>C on transcript NM_003151.4 (MANE Select); coding-DNA position 302, T replaced by C.
Protein change: p.Val101Ala; replaces valine 101 with alanine.
Molecular consequence: missense variant.
Genome position (GRCh38, 1-based): chr2:191,076,297, A>G on the plus strand (T>C on the coding strand, the complement: STAT4 is on the minus strand). VCF-style: chr2-191076297-A-G. GRCh37 (hg19) VCF-style: chr2-191941023-A-G.
Other names: c.302T>C (NM_003151.3); c.302T>C, p.Val101Ala (NM_001243835.2); short protein forms V101A.
Identifiers: ClinVar variation 1417723 (VCV001417723.8), dbSNP rs778453112, ClinGen allele CA2030925.

ClinVar aggregate classification (germline): Uncertain significance. Review status: criteria provided, multiple submitters, no conflicts (2 of 4 stars). 2 submissions from 2 submitters: Uncertain significance (2). Last evaluated 2025-11-24.

Allele frequency attached by ClinVar (database versions not stated): gnomAD exomes below 0.00001; ExAC 0.00001.
gnomAD v4.1: 6 of 1,607,092 alleles (0.00037%); highest among the groups gnomAD compares: Middle Eastern, 0.017%; no homozygotes.

Submissions (2):

Ambry Genetics
Classification: Uncertain significance. Last evaluated: 2025-11-24. Review status: criteria provided, single submitter. Criteria: Ambry Variant Classification Scheme 2023. Collection method: clinical testing. Allele origin: germline.

Labcorp Genetics (formerly Invitae), Labcorp
Classification: Uncertain significance. Last evaluated: 2022-07-12. Review status: criteria provided, single submitter. Criteria: Invitae Variant Classification Sherloc (09022015). Collection method: clinical testing. Allele origin: germline.
Comment: Algorithms developed to predict the effect of missense changes on protein structure and function (SIFT, PolyPhen-2, Align-GVGD) all suggest that this variant is likely to be tolerated. Algorithms developed to predict the effect of sequence changes on RNA splicing suggest that this variant may create or strengthen a splice site. In summary, the available evidence is currently insufficient to determine the role of this variant in disease. Therefore, it has been classified as a Variant of Uncertain Significance. ClinVar contains an entry for this variant (Variation ID: 1417723). This sequence change replaces valine, which is neutral and non-polar, with alanine, which is neutral and non-polar, at codon 101 of the STAT4 protein (p.Val101Ala). This variant is present in population databases (rs778453112, gnomAD 0.003%). This variant has not been reported in the literature in individuals affected with STAT4-related conditions.